The following is an entry in ClinVar:

ClinVar aggregate classification (germline): Uncertain significance. Review status: criteria provided, multiple submitters, no conflicts (2 of 4 stars). 10 submissions from 10 submitters: Uncertain significance (9). 1 of the submissions does not count toward it. Last evaluated 2025-12-18.

Conditions:
Hereditary cancer-predisposing syndrome. Also called: Neoplastic Syndromes, Hereditary; Tumor predisposition; Hereditary neoplastic syndrome; Hereditary Cancer Syndrome. Identifiers: Orphanet 140162, MedGen C0027672, MeSH D009386, MONDO:0015356.
Familial adenomatous polyposis 1 (FAP1). Also called: FAMILIAL ADENOMATOUS POLYPOSIS 1, ATTENUATED; POLYPOSIS, ADENOMATOUS INTESTINAL. Identifiers: MedGen C2713442, MONDO:0021056, OMIM 175100. Disease mechanism: loss of function.
Classic or attenuated familial adenomatous polyposis. Identifiers: MedGen CN372698, MONDO:0021057.

Allele frequency attached by ClinVar (database versions not stated): gnomAD 0.00001; TOPMed 0.00001.
gnomAD v4.1: 5 of 1,613,800 alleles (0.00031%); highest among the groups gnomAD compares: Non-Finnish European, 0.00042%; no homozygotes.

Submissions (10):

Ambry Genetics
Classification: Uncertain significance for Hereditary cancer-predisposing syndrome. Last evaluated: 2025-12-18. Review status: criteria provided, single submitter. Criteria: Ambry Variant Classification Scheme 2023. Collection method: clinical testing. Allele origin: germline.
Comment: The p.N1761K variant (also known as c.5283C>A), located in coding exon 15 of the APC gene, results from a C to A substitution at nucleotide position 5283. The asparagine at codon 1761 is replaced by lysine, an amino acid with similar properties. This amino acid position is not well conserved in available vertebrate species. In addition, in silico predictors for this gene do not accurately predict pathogenicity. Missense alterations in APC are not a common cause of disease (Spier I et al. Genet Med. 2024 Feb;26(2):100992). Based on the available evidence, the clinical significance of this variant remains unclear.

Mayo Clinic Laboratories, Mayo Clinic
Classification: Uncertain significance. Last evaluated: 2025-10-16. Review status: criteria provided, single submitter. Criteria: ACMG Guidelines, 2015. Collection method: clinical testing. Allele origin: germline. Observed: 1 variant allele.
Comment: BP1, PM2_supporting

Labcorp Genetics (formerly Invitae), Labcorp
Classification: Uncertain significance for Familial adenomatous polyposis 1. Last evaluated: 2025-01-22. Review status: criteria provided, single submitter. Criteria: Invitae Variant Classification Sherloc (09022015). Collection method: clinical testing. Allele origin: germline.
Comment: This sequence change replaces asparagine, which is neutral and polar, with lysine, which is basic and polar, at codon 1761 of the APC protein (p.Asn1761Lys). This variant is not present in population databases (gnomAD no frequency). This missense change has been observed in individual(s) with breast cancer (PMID: 32957588). ClinVar contains an entry for this variant (Variation ID: 420851). Invitae Evidence Modeling of protein sequence and biophysical properties (such as structural, functional, and spatial information, amino acid conservation, physicochemical variation, residue mobility, and thermodynamic stability) indicates that this missense variant is not expected to disrupt APC protein function with a negative predictive value of 95%. In summary, the available evidence is currently insufficient to determine the role of this variant in disease. Therefore, it has been classified as a Variant of Uncertain Significance.

All of Us Research Program, National Institutes of Health
Classification: Uncertain significance for Classic or attenuated familial adenomatous polyposis. Last evaluated: 2024-09-23. Review status: criteria provided, single submitter. Criteria: ACMG Guidelines, 2015. Collection method: clinical testing. Allele origin: germline. Inheritance: Autosomal dominant inheritance. Observed: 6 variant alleles, 6 heterozygotes.
Comment: This missense variant replaces asparagine with lysine at codon 1761 of the APC protein. Computational prediction is inconclusive regarding the impact of this variant on protein structure and function (internally defined REVEL score threshold 0.5 < inconclusive < 0.7, PMID: 27666373). To our knowledge, functional studies have not been reported for this variant. This variant has been reported in an individual affected with breast cancer (PMID: 32957588). This variant has not been identified in the general population by the Genome Aggregation Database (gnomAD). The available evidence is insufficient to determine the role of this variant in disease conclusively. Therefore, this variant is classified as a Variant of Uncertain Significance.

This study involves interpretation of variants in research participants for the purpose of population health screening. Participant phenotype was not available at the time of variant classification. Additional details can be found in publication PMID: 35346344, PMCID: PMC8962531

Color Diagnostics, LLC DBA Color Health
Classification: Uncertain significance for Hereditary cancer-predisposing syndrome. Last evaluated: 2023-08-17. Review status: criteria provided, single submitter. Criteria: ACMG Guidelines, 2015. Collection method: clinical testing. Allele origin: germline.
Comment: This missense variant replaces asparagine with lysine at codon 1761 of the APC protein. Computational prediction suggests that this variant may not impact protein structure and function (internally defined REVEL score threshold <= 0.5, PMID: 27666373). To our knowledge, functional studies have not been reported for this variant. This variant has not been reported in individuals affected with APC-related disorders in the literature. This variant has not been identified in the general population by the Genome Aggregation Database (gnomAD). The available evidence is insufficient to determine the role of this variant in disease conclusively. Therefore, this variant is classified as a Variant of Uncertain Significance.

Myriad Genetics, Inc.
Classification: Uncertain significance for Familial adenomatous polyposis 1. Last evaluated: 2023-02-14. Review status: criteria provided, single submitter. Criteria: Myriad Autosomal Dominant, Autosomal Recessive and X-Linked Classification Criteria (2023). Collection method: clinical testing. Allele origin: unknown.
Comment: This variant is classified as a variant of uncertain significance as there is insufficient evidence to determine its impact on protein function and/or cancer risk.

GeneDx
Classification: Uncertain significance. Last evaluated: 2022-11-23. Review status: criteria provided, single submitter. Criteria: GeneDx Variant Classification Process June 2021. Collection method: clinical testing. Allele origin: germline. Affected: yes.
Comment: Not observed at significant frequency in large population cohorts (gnomAD); In silico analysis supports that this missense variant does not alter protein structure/function; Has not been previously published as pathogenic or benign to our knowledge; This variant is associated with the following publications: (PMID: 18199528, 27150160, 32957588)

Quest Diagnostics Nichols Institute San Juan Capistrano
Classification: Uncertain significance. Last evaluated: 2022-09-14. Review status: criteria provided, single submitter. Criteria: Quest Diagnostics criteria. Collection method: clinical testing. Allele origin: unknown.
Comment: The frequency of this variant in the general population, 0.0000025 (1/396400 chromosomes), is uninformative in assessment of its pathogenicity. Analysis of this variant using bioinformatics tools for the prediction of the effect of amino acid changes on protein structure and function yielded predictions that this variant is benign. Based on the available information, we are unable to determine the clinical significance of this variant.

Sema4
Classification: Uncertain significance for Hereditary cancer-predisposing syndrome. Last evaluated: 2021-08-25. Review status: criteria provided, single submitter. Criteria: Sema4 Curation Guidelines. Collection method: curation. Allele origin: germline.
Comment: The APC c.5283C>A (p.N1761K) variant has been reported in heterozygosity in at least one individual with breast cancer (PMID: 32957588). It was not observed in the large and broad cohorts of the Genome Aggregation Database. The variant has been reported in ClinVar (Variation ID 420851). Functional studies have not been performed, and in silico predictions of the variant's effect on protein function are inconclusive. The evidence is insufficient to meet ACMG/AMP criteria for classifying the variant as benign or pathogenic. Thus, the clinical significance of this variant is currently uncertain.

Counsyl
Classification: Uncertain significance for Familial adenomatous polyposis 1. Last evaluated: 2018-05-21. Review status: no assertion criteria provided. Collection method: clinical testing. Allele origin: unknown. Not counted in ClinVar's aggregate classification.

Literature cited by the submitters: PubMed 32957588 (cited by 5 submitters); PubMed 35534704 (cited by Mayo Clinic Laboratories, Mayo Clinic); PubMed 29748005 (cited by Quest Diagnostics Nichols Institute San Juan Capistrano).

NM_000038.6(APC):c.5283C>A (p.Asn1761Lys)

Gene: APC (APC regulator of Wnt signaling pathway; plus strand). Cytogenetic location: 5q22.2.
Variant type: single nucleotide variant.
Coding change: c.5283C>A on transcript NM_000038.6 (MANE Select); coding-DNA position 5283, C replaced by A.
Protein change: p.Asn1761Lys; replaces asparagine 1761 with lysine.
Molecular consequence: missense variant.
Genome position (GRCh38, 1-based): chr5:112,840,877, C>A. VCF-style: chr5-112840877-C-A. GRCh37 (hg19) VCF-style: chr5-112176574-C-A.
Other names: p.Asn1761Lys; c.5283C>A, p.Asn1761Lys (NM_001127510.3, NM_001354895.2); c.5229C>A, p.Asn1743Lys (NM_001127511.3); c.5337C>A, p.Asn1779Lys (NM_001354896.2); c.5313C>A, p.Asn1771Lys (NM_001354897.2); c.5208C>A, p.Asn1736Lys (NM_001354898.2); c.5199C>A, p.Asn1733Lys (NM_001354899.2); c.5160C>A, p.Asn1720Lys (NM_001354900.2); and 6 more; short protein forms N1743K, N1761K, N1601K, N1670K, N1720K, N1733K, N1771K, N1635K.
Identifiers: ClinVar variation 420851 (VCV000420851.32), dbSNP rs933729249, ClinGen allele CA16032876.